The following is an entry in ClinVar:

ClinVar aggregate classification (germline): Conflicting classifications of pathogenicity. Review status: criteria provided, conflicting classifications (1 of 4 stars). 3 submissions from 3 submitters: Uncertain significance (1); Likely benign (2). Last evaluated 2025-11-10.

Conditions:
Cardiovascular phenotype. Identifiers: MedGen CN230736.
Atrioventricular septal defect 4 (AVSD4). Identifiers: MedGen C3280781, MONDO:0013747, OMIM 614430.

Allele frequency attached by ClinVar (database versions not stated): TOPMed 0.00023; gnomAD 0.00029; 1000 Genomes Project 30x 0.00031; ExAC 0.00031; 1000 Genomes Project 0.00040.
gnomAD v4.1: 65 of 1,614,140 alleles (0.004%); highest among the groups gnomAD compares: East Asian, 0.14%; no homozygotes.

Submissions (3):

Labcorp Genetics (formerly Invitae), Labcorp
Classification: Likely benign for Atrioventricular septal defect 4. Last evaluated: 2025-11-10. Review status: criteria provided, single submitter. Criteria: Invitae Variant Classification Sherloc (09022015). Collection method: clinical testing. Allele origin: germline.

GeneDx
Classification: Likely benign. Last evaluated: 2020-05-06. Review status: criteria provided, single submitter. Criteria: GeneDx Variant Classification Process June 2021. Collection method: clinical testing. Allele origin: germline. Affected: yes.
Comment: See Variant Classification Assertion Criteria.

Ambry Genetics
Classification: Uncertain significance for Cardiovascular phenotype. Last evaluated: 2016-09-26. Review status: criteria provided, single submitter. Criteria: Ambry Variant Classification Scheme 2023. Collection method: clinical testing. Allele origin: germline.
Comment: The p.V267M variant (also known as c.799G>A), located in coding exon 3 of the GATA4 gene, results from a G to A substitution at nucleotide position 799. The valine at codon 267 is replaced by methionine, an amino acid with highly similar properties. In a study of 384 sporadic Chinese patients with congenital heart disease, this alteration was reported in 2 patients and also in 4 of the 957 controls (Wang E et al. PLoS ONE, 2013 Apr;8:e62138). This variant was previously reported in the SNPDatabase as rs116781972. Based on data from ExAC, the A allele was only reported in East Asian population with a frequency of approximately 0.034% (3/8618). Based on data from the 1000 Genomes Project, the A allele has an overall frequency of approximately 0.05% (1/2098) total alleles studied. The highest observed frequency was 0.54% (1/184) Southern Han Chinese alleles. This amino acid position is highly conserved in available vertebrate species. In addition, this alteration is predicted to be deleterious by in silico analysis. Since supporting evidence is limited at this time, the clinical significance of this alteration remains unclear.

Literature cited by the submitters: PubMed 23626780 (cited by Ambry Genetics).

NM_001308093.3(GATA4):c.802G>A (p.Val268Met)

Gene: GATA4 (GATA binding protein 4). Cytogenetic location: 8p23.1.
Variant type: single nucleotide variant.
Coding change: c.802G>A on transcript NM_001308093.3 (MANE Select); coding-DNA position 802, G replaced by A.
Protein change: p.Val268Met; replaces valine 268 with methionine.
Molecular consequence: missense variant. On other transcripts: intron variant (1).
Genome position (GRCh38, 1-based): chr8:11,750,126, G>A. VCF-style: chr8-11750126-G-A. GRCh37 (hg19) VCF-style: chr8-11607635-G-A.
Other names: c.181G>A, p.Val61Met (NM_001308094.2, NM_001374273.1); c.799G>A, p.Val267Met (NM_002052.5); c.165+1041G>A (NM_001374274.1); short protein forms V267M, V268M, V61M.
Identifiers: ClinVar variation 472780 (VCV000472780.17), dbSNP rs116781972, ClinGen allele CA4630710.